The following is an entry in ClinVar:

ClinVar aggregate classification (germline): Uncertain significance (1 of 4 stars; one submission).

Conditions:
PASK-related disorder. Also called: PASK-related condition.

Allele frequency attached by ClinVar (database versions not stated): ExAC 0.00001; gnomAD 0.00003; gnomAD exomes 0.00003; TOPMed 0.00004.
gnomAD v4.1: 43 of 1,611,518 alleles (0.0027%); highest among the groups gnomAD compares: Admixed American, 0.0067%; 1 homozygote.

Submission:

PreventionGenetics, part of Exact Sciences
Classification: Uncertain significance for PASK-related condition. Last evaluated: 2023-05-22. Review status: criteria provided, single submitter. Criteria: ACMG Guidelines, 2015. Collection method: clinical testing. Allele origin: germline.
Comment: The PASK c.3554C>T variant is predicted to result in the amino acid substitution p.Pro1185Leu. This variant has been reported in two patients with a neurodevelopmental phenotype. Limited clinical information was provided (Supplementary data 5, Wang et al. 2020. PubMed ID: 33004838). This variant is reported in 0.0058% of alleles in individuals of Latino descent in gnomAD. At this time, the clinical significance of this variant is uncertain due to the absence of conclusive functional and genetic evidence.

NM_015148.4(PASK):c.3533C>T (p.Pro1178Leu)

Gene: PASK (PAS domain containing serine/threonine kinase; minus strand). Cytogenetic location: 2q37.3.
Variant type: single nucleotide variant.
Coding change: c.3533C>T on transcript NM_015148.4 (MANE Select); coding-DNA position 3533, C replaced by T.
Protein change: p.Pro1178Leu; replaces proline 1178 with leucine.
Molecular consequence: missense variant.
Genome position (GRCh38, 1-based): chr2:241,112,240, G>A on the plus strand (C>T on the coding strand, the complement: PASK is on the minus strand). VCF-style: chr2-241112240-G-A. GRCh37 (hg19) VCF-style: chr2-242051655-G-A.
Other names: c.3554C>T, p.Pro1185Leu (NM_001252119.2); c.3533C>T, p.Pro1178Leu (NM_001252120.2); c.3428C>T, p.Pro1143Leu (NM_001252122.2); short protein forms P1143L, P1178L, P1185L.
Identifiers: ClinVar variation 2631999 (VCV002631999.1), dbSNP rs746793482, ClinGen allele CA2212716.